The following is an entry in ClinVar:

NM_021222.3(PRUNE1):c.407C>G (p.Pro136Arg)

Gene: PRUNE1 (prune exopolyphosphatase 1; plus strand). Cytogenetic location: 1q21.3.
Variant type: single nucleotide variant.
Coding change: c.407C>G on transcript NM_021222.3 (MANE Select); coding-DNA position 407, C replaced by G.
Protein change: p.Pro136Arg; replaces proline 136 with arginine.
Molecular consequence: missense variant. On other transcripts: 5 prime UTR variant (1), intron variant (1).
Genome position (GRCh38, 1-based): chr1:151,024,682, C>G. VCF-style: chr1-151024682-C-G. GRCh37 (hg19) VCF-style: chr1-150997158-C-G.
Other names: c.-140C>G (NM_001303229.2); c.407C>G, p.Pro136Arg (NM_001303242.2); c.77-2551C>G (NM_001303243.2); short protein forms P136R.
Identifiers: ClinVar variation 2728316 (VCV002728316.3), dbSNP rs1035705156, ClinGen allele CA29506547.

ClinVar aggregate classification (germline): Uncertain significance (1 of 4 stars; one submission).

Allele frequency attached by ClinVar (database versions not stated): gnomAD 0.00001; TOPMed 0.00002.

Submission:

Labcorp Genetics (formerly Invitae), Labcorp
Classification: Uncertain significance. Last evaluated: 2025-09-16. Review status: criteria provided, single submitter. Criteria: Invitae Variant Classification Sherloc (09022015). Collection method: clinical testing. Allele origin: germline.
Comment: This sequence change replaces proline, which is neutral and non-polar, with arginine, which is basic and polar, at codon 136 of the PRUNE1 protein (p.Pro136Arg). This variant is present in population databases (no rsID available, gnomAD 0.002%). This variant has not been reported in the literature in individuals affected with PRUNE1-related conditions. ClinVar contains an entry for this variant (Variation ID: 2728316). Invitae Evidence Modeling of protein sequence and biophysical properties (such as structural, functional, and spatial information, amino acid conservation, physicochemical variation, residue mobility, and thermodynamic stability) indicates that this missense variant is not expected to disrupt PRUNE1 protein function with a negative predictive value of 80%. In summary, the available evidence is currently insufficient to determine the role of this variant in disease. Therefore, it has been classified as a Variant of Uncertain Significance.